The following is an entry in ClinVar:

NM_013275.6(ANKRD11):c.3720G>T (p.Glu1240Asp)

Gene: ANKRD11 (ankyrin repeat domain 11; minus strand). Cytogenetic location: 16q24.3.
Variant type: single nucleotide variant.
Coding change: c.3720G>T on transcript NM_013275.6 (MANE Select); coding-DNA position 3720, G replaced by T.
Protein change: p.Glu1240Asp; replaces glutamic acid 1240 with aspartic acid.
Molecular consequence: missense variant.
Genome position (GRCh38, 1-based): chr16:89,282,822, C>A on the plus strand (G>T on the coding strand, the complement: ANKRD11 is on the minus strand). VCF-style: chr16-89282822-C-A. GRCh37 (hg19) VCF-style: chr16-89349230-C-A.
Other names: c.3720G>T, p.Glu1240Asp (NM_001256182.2, NM_001256183.2); short protein forms E1240D.
Identifiers: ClinVar variation 4802800 (VCV004802800.1).

ClinVar aggregate classification (germline): Uncertain significance (1 of 4 stars; one submission).

Conditions:
KBG syndrome (KBGS). Also called: ANKRD11-Related KBG Syndrome. Identifiers: Orphanet 2332, MedGen C0220687, MONDO:0007846, OMIM 148050.

gnomAD v4.1: 1 of 1,611,234 alleles (0.000062%); highest among the groups gnomAD compares: African/African-American, 0.0013%; no homozygotes.

Submission:

Labcorp Genetics (formerly Invitae), Labcorp
Classification: Uncertain significance for KBG syndrome. Last evaluated: 2025-06-17. Review status: criteria provided, single submitter. Criteria: Invitae Variant Classification Sherloc (09022015). Collection method: clinical testing. Allele origin: germline.
Comment: This sequence change replaces glutamic acid, which is acidic and polar, with aspartic acid, which is acidic and polar, at codon 1240 of the ANKRD11 protein (p.Glu1240Asp). This variant is present in population databases (no rsID available, gnomAD 0.01%). This variant has not been reported in the literature in individuals affected with ANKRD11-related conditions. Invitae Evidence Modeling of protein sequence and biophysical properties (such as structural, functional, and spatial information, amino acid conservation, physicochemical variation, residue mobility, and thermodynamic stability) indicates that this missense variant is not expected to disrupt ANKRD11 protein function with a negative predictive value of 95%. In summary, the available evidence is currently insufficient to determine the role of this variant in disease. Therefore, it has been classified as a Variant of Uncertain Significance.